The following is an entry in ClinVar:

NM_018051.5(DYNC2I1):c.2099C>T (p.Thr700Met)

Gene: DYNC2I1 (dynein 2 intermediate chain 1; plus strand). Cytogenetic location: 7q36.3.
Variant type: single nucleotide variant.
Coding change: c.2099C>T on transcript NM_018051.5 (MANE Select); coding-DNA position 2099, C replaced by T.
Protein change: p.Thr700Met; replaces threonine 700 with methionine.
Molecular consequence: missense variant.
Genome position (GRCh38, 1-based): chr7:158,923,575, C>T. VCF-style: chr7-158923575-C-T. GRCh37 (hg19) VCF-style: chr7-158716266-C-T.
Other names: c.1961C>T, p.Thr654Met (NM_001350914.2); c.1526C>T, p.Thr509Met (NM_001350915.2); c.638C>T, p.Thr213Met (NM_001350916.2); c.851C>T, p.Thr284Met (NM_001350917.2, NM_001350918.2); c.2099C>T (NM_018051.4); short protein forms T509M, T700M, T654M, T213M, T284M.
Identifiers: ClinVar variation 2057336 (VCV002057336.3), dbSNP rs373182254, ClinGen allele CA4594880.
Genomic context (GRCh38, chr7:158,923,575, plus strand): 5'-GTTAGCATGCTTCTCATATTCTTCTGTCATTGGCTTTCTGTGCCTTTGTCTTTTAGGTCA[C>T]GTGTTGCTGCTTGAGCCCTTTGAAAGCATTTTTACTGTTTGCCGGAACAGCGCACGGCTC-3'
Protein context (NP_060521.4, residues 690-710): QKVLICESQV[Thr700Met]CCCLSPLKAF

ClinVar aggregate classification (germline): Uncertain significance. Review status: criteria provided, multiple submitters, no conflicts (2 of 4 stars). 2 submissions from 2 submitters: Uncertain significance (2). Last evaluated 2025-10-07.

Conditions:
Inborn genetic diseases. Identifiers: MedGen C0950123, MeSH D030342.
Short-rib thoracic dysplasia 8 with or without polydactyly (SRTD8). Also called: SHORT-RIB THORACIC DYSPLASIA 8 WITH POLYDACTYLY. Identifiers: Orphanet 93271, MedGen C3809691, MONDO:0014214, OMIM 615503.

Allele frequency attached by ClinVar (database versions not stated): TOPMed 0.00007; gnomAD exomes 0.00001; ExAC 0.00001; gnomAD 0.00003; ESP Exome Variant Server 0.00008.
gnomAD v4.1: 24 of 1,613,912 alleles (0.0015%); highest among the groups gnomAD compares: African/African-American, 0.015%; no homozygotes.

Submissions (2):

Ambry Genetics
Classification: Uncertain significance for Inborn genetic diseases. Last evaluated: 2025-10-07. Review status: criteria provided, single submitter. Criteria: Ambry Variant Classification Scheme 2023. Collection method: clinical testing. Allele origin: germline.

Labcorp Genetics (formerly Invitae), Labcorp
Classification: Uncertain significance for Short-rib thoracic dysplasia 8 with or without polydactyly. Last evaluated: 2022-01-26. Review status: criteria provided, single submitter. Criteria: Invitae Variant Classification Sherloc (09022015). Collection method: clinical testing. Allele origin: germline.
Comment: In summary, the available evidence is currently insufficient to determine the role of this variant in disease. Therefore, it has been classified as a Variant of Uncertain Significance. Algorithms developed to predict the effect of missense changes on protein structure and function output the following: SIFT: "Tolerated"; PolyPhen-2: "Probably Damaging"; Align-GVGD: "Class C0". The methionine amino acid residue is found in multiple mammalian species, which suggests that this missense change does not adversely affect protein function. This variant has not been reported in the literature in individuals affected with WDR60-related conditions. This variant is present in population databases (rs373182254, gnomAD 0.02%). This sequence change replaces threonine, which is neutral and polar, with methionine, which is neutral and non-polar, at codon 700 of the WDR60 protein (p.Thr700Met).